The following is an entry in ClinVar:

NM_002709.3(PPP1CB):c.847A>C (p.Ser283Arg)

Gene: PPP1CB (protein phosphatase 1 catalytic subunit beta; plus strand). Cytogenetic location: 2p23.2.
Variant type: single nucleotide variant.
Coding change: c.847A>C on transcript NM_002709.3 (MANE Select); coding-DNA position 847, A replaced by C.
Protein change: p.Ser283Arg; replaces serine 283 with arginine.
Molecular consequence: missense variant.
Genome position (GRCh38, 1-based): chr2:28,793,965, A>C. VCF-style: chr2-28793965-A-C. GRCh37 (hg19) VCF-style: chr2-29016831-A-C.
Other names: c.847A>C, p.Ser283Arg (NM_206876.2); short protein forms S283R.
Identifiers: ClinVar variation 4076523 (VCV004076523.1).

ClinVar aggregate classification (germline): Uncertain significance (1 of 4 stars; one submission).

Submission:

GeneDx
Classification: Uncertain significance. Last evaluated: 2025-02-23. Review status: criteria provided, single submitter. Criteria: GeneDx Variant Classification Process June 2021. Collection method: clinical testing. Allele origin: germline. Affected: yes.
Comment: Not observed at significant frequency in large population cohorts (gnomAD); In silico analysis supports that this missense variant has a deleterious effect on protein structure/function; Has not been previously published as pathogenic or benign to our knowledge